The following is an entry in ClinVar:

ClinVar aggregate classification (germline): Likely pathogenic (1 of 4 stars; one submission).

Conditions:
PMM2-congenital disorder of glycosylation. Also called: CDG Ia; Congenital disorder of glycosylation, type Ia; JAEKEN SYNDROME; PHOSPHOMANNOMUTASE 2 DEFICIENCY; CARBOHYDRATE-DEFICIENT GLYCOPROTEIN SYNDROME, TYPE Ia; PMM2-CDG. Identifiers: Orphanet 79318, MedGen C0349653, MONDO:0008907, OMIM 212065.

Allele frequency attached by ClinVar (database versions not stated): gnomAD exomes below 0.00001.
gnomAD v4.1: 2 of 1,613,574 alleles (0.00012%); highest among the groups gnomAD compares: Non-Finnish European, 0.00017%; no homozygotes.

Submission:

Myriad Genetics, Inc.
Classification: Likely pathogenic for PMM2-congenital disorder of glycosylation. Last evaluated: 2021-12-16. Review status: criteria provided, single submitter. Criteria: Myriad Women's Health Autosomal Recessive and X-Linked Classification Criteria (2021). Collection method: clinical testing. Allele origin: unknown.
Comment: NM_000303.2(PMM2):c.309T>A(C103*) is expected to be pathogenic in the context of congenital disorder of glycosylation type Ia. This variant is predicted to lead to an abnormal or absent protein product due to the creation of a premature termination codon in PMM2, a gene where loss-of-function variants are known to be pathogenic. Please note: this variant was assessed in the context of healthy population screening.

NM_000303.3(PMM2):c.309T>A (p.Cys103Ter)

Gene: PMM2 (phosphomannomutase 2; plus strand). Cytogenetic location: 16p13.2.
Variant type: single nucleotide variant.
Coding change: c.309T>A on transcript NM_000303.3 (MANE Select); coding-DNA position 309, T replaced by A.
Protein change: p.Cys103Ter; replaces cysteine 103 with a stop codon.
Molecular consequence: nonsense.
Genome position (GRCh38, 1-based): chr16:8,806,369, T>A. VCF-style: chr16-8806369-T-A. GRCh37 (hg19) VCF-style: chr16-8900226-T-A.
Other names: short protein forms C103*.
Identifiers: ClinVar variation 1726349 (VCV001726349.2), dbSNP rs2549145213, ClinGen allele CA394696247.